The following is an entry in ClinVar:

ClinVar aggregate classification (germline): Uncertain significance. Review status: criteria provided, multiple submitters, no conflicts (2 of 4 stars). 3 submissions from 3 submitters: Uncertain significance (3). Last evaluated 2025-12-24.

Conditions:
Type 2 diabetes mellitus. Also called: Type II diabetes mellitus. Identifiers: MedGen C0011860, MeSH D003924, MONDO:0005148, OMIM 125853, HP:0005978.
Maturity-onset diabetes of the young type 6 (MODY6). Identifiers: Orphanet 552, MedGen C1853371, MONDO:0011668, OMIM 606394.

Allele frequency attached by ClinVar (database versions not stated): TOPMed 0.00002; gnomAD exomes 0.00005 and 0.00016; ExAC 0.00007; ESP Exome Variant Server 0.00015; gnomAD 0.00004.
gnomAD v4.1: 239 of 1,613,426 alleles (0.015%); highest among the groups gnomAD compares: Non-Finnish European, 0.02%; no homozygotes.

Submissions (3):

Labcorp Genetics (formerly Invitae), Labcorp
Classification: Uncertain significance. Last evaluated: 2025-12-24. Review status: criteria provided, single submitter. Criteria: Invitae Variant Classification Sherloc (09022015). Collection method: clinical testing. Allele origin: germline.
Comment: This sequence change replaces serine, which is neutral and polar, with cysteine, which is neutral and slightly polar, at codon 29 of the NEUROD1 protein (p.Ser29Cys). This variant is present in population databases (rs138850469, gnomAD 0.01%). This variant has not been reported in the literature in individuals affected with NEUROD1-related conditions. ClinVar contains an entry for this variant (Variation ID: 1490822). Invitae Evidence Modeling of protein sequence and biophysical properties (such as structural, functional, and spatial information, amino acid conservation, physicochemical variation, residue mobility, and thermodynamic stability) indicates that this missense variant is not expected to disrupt NEUROD1 protein function with a negative predictive value of 80%. In summary, the available evidence is currently insufficient to determine the role of this variant in disease. Therefore, it has been classified as a Variant of Uncertain Significance.

Fulgent Genetics
Classification: Uncertain significance for Type 2 diabetes mellitus; Maturity-onset diabetes of the young type 6. Last evaluated: 2024-06-12. Review status: criteria provided, single submitter. Criteria: ACMG Guidelines, 2015. Collection method: clinical testing. Allele origin: germline.

Department of Pathology and Laboratory Medicine, Sinai Health System
Classification: Uncertain significance for Type 2 diabetes mellitus; Maturity-onset diabetes of the young type 6. Last evaluated: 2020-05-01. Review status: criteria provided, single submitter. Criteria: ACMG Guidelines, 2015. Collection method: research. Allele origin: germline.

NM_002500.5(NEUROD1):c.86C>G (p.Ser29Cys)

Gene: NEUROD1 (neuronal differentiation 1; minus strand). Cytogenetic location: 2q31.3.
Variant type: single nucleotide variant.
Coding change: c.86C>G on transcript NM_002500.5 (MANE Select); coding-DNA position 86, C replaced by G.
Protein change: p.Ser29Cys; replaces serine 29 with cysteine.
Molecular consequence: missense variant.
Genome position (GRCh38, 1-based): chr2:181,678,775, G>C on the plus strand (C>G on the coding strand, the complement: NEUROD1 is on the minus strand). VCF-style: chr2-181678775-G-C. GRCh37 (hg19) VCF-style: chr2-182543502-G-C.
Other names: short protein forms S29C.
Identifiers: ClinVar variation 1490822 (VCV001490822.8), dbSNP rs138850469, ClinGen allele CA2011191.